The following is an entry in ClinVar:

ClinVar aggregate classification (germline): Uncertain significance (1 of 4 stars; one submission).

Conditions:
Nemaline myopathy 2 (NEM2). Also called: Nemaline myopathy 2, autosomal recessive. Identifiers: MedGen C1850569, MONDO:0009725, OMIM 256030.

Submission:

Myriad Genetics, Inc.
Classification: Uncertain significance for Nemaline myopathy 2. Last evaluated: 2026-08-26. Review status: criteria provided, single submitter. Criteria: Myriad Autosomal Dominant, Autosomal Recessive and X-Linked Classification Criteria (2023). Collection method: clinical testing. Allele origin: unknown.
Comment: NM_001271208.1(NEB):c.5970+1G>A is a variant in a canonical splice site classified as a variant of uncertain significance in the context of NEB-related nemaline myopathy. c.5970+1G>A has not been observed in cases with relevant disease. Relevant functional assessments of this variant are not available in the literature. c.5970+1G>A has not been observed in referenced population frequency databases. In summary, there is insufficient evidence to classify NM_001271208.1(NEB):c.5970+1G>A as pathogenic or benign. Please note: this variant was assessed in the context of healthy population screening.

NM_001164508.2(NEB):c.5970+1G>A

Gene: NEB (nebulin; minus strand). Cytogenetic location: 2q23.3.
Variant type: single nucleotide variant.
Coding change: c.5970+1G>A on transcript NM_001164508.2 (MANE Select); the canonical splice donor site of the intron after coding-DNA position 5970, G replaced by A.
Molecular consequence: splice donor variant.
Genome position (GRCh38, 1-based): chr2:151,662,134, C>T on the plus strand (G>A on the coding strand, the complement: NEB is on the minus strand). VCF-style: chr2-151662134-C-T. GRCh37 (hg19) VCF-style: chr2-152518648-C-T.
Other names: c.5970+1G>A (NM_004543.5, NM_001164507.2, NM_001271208.2).
Identifiers: ClinVar variation 5004868 (VCV005004868.1).